The following is an entry in ClinVar:

ClinVar aggregate classification (germline): Uncertain significance (1 of 4 stars; one submission).

Conditions:
Idiopathic generalized epilepsy. Also called: EIG; Generalised epilepsy. Identifiers: MedGen C0270850, MONDO:0005579, OMIM 600669.
Hyperaldosteronism, familial, type IV (HALD4). Also called: FH IV; ALDOSTERONISM, PRIMARY, AND HYPERTENSION. Identifiers: Orphanet 642671, MedGen C4310756, MONDO:0014875, OMIM 617027.

Allele frequency attached by ClinVar (database versions not stated): 1000 Genomes Project 30x 0.00016; 1000 Genomes Project 0.00020.
gnomAD v4.1: 2 of 1,604,982 alleles (0.00012%); highest among the groups gnomAD compares: East Asian, 0.0045%; no homozygotes.

Submission:

Labcorp Genetics (formerly Invitae), Labcorp
Classification: Uncertain significance for Idiopathic generalized epilepsy; Hyperaldosteronism, familial, type IV. Last evaluated: 2021-05-04. Review status: criteria provided, single submitter. Criteria: Invitae Variant Classification Sherloc (09022015). Collection method: clinical testing. Allele origin: germline.
Comment: In summary, the available evidence is currently insufficient to determine the role of this variant in disease. Therefore, it has been classified as a Variant of Uncertain Significance. Algorithms developed to predict the effect of missense changes on protein structure and function do not agree on the potential impact of this missense change (SIFT: "Tolerated"; PolyPhen-2: "Probably Damaging"; Align-GVGD: "Class C0"). This variant has not been reported in the literature in individuals with CACNA1H-related disease. This variant is not present in population databases (ExAC no frequency). This sequence change replaces alanine with glycine at codon 1382 of the CACNA1H protein (p.Ala1382Gly). The alanine residue is moderately conserved and there is a small physicochemical difference between alanine and glycine.

NM_021098.3(CACNA1H):c.4145C>G (p.Ala1382Gly)

Gene: CACNA1H (calcium voltage-gated channel subunit alpha1 H; plus strand). Cytogenetic location: 16p13.3.
Variant type: single nucleotide variant.
Coding change: c.4145C>G on transcript NM_021098.3 (MANE Select); coding-DNA position 4145, C replaced by G.
Protein change: p.Ala1382Gly; replaces alanine 1382 with glycine.
Molecular consequence: missense variant.
Genome position (GRCh38, 1-based): chr16:1,210,893, C>G. VCF-style: chr16-1210893-C-G. GRCh37 (hg19) VCF-style: chr16-1260893-C-G.
Other names: c.4145C>G, p.Ala1382Gly (NM_001005407.2); short protein forms A1382G.
Identifiers: ClinVar variation 1353340 (VCV001353340.8), dbSNP rs566220434, ClinGen allele CA276668007.